The following is an entry in ClinVar:

ClinVar aggregate classification (germline): Uncertain significance. Review status: criteria provided, multiple submitters, no conflicts (2 of 4 stars). 2 submissions from 2 submitters: Uncertain significance (2). Last evaluated 2025-06-12.

Conditions:
Inborn genetic diseases. Identifiers: MedGen C0950123, MeSH D030342.
Pyogenic bacterial infections due to MyD88 deficiency (IMD68). Also called: PYOGENIC BACTERIAL INFECTIONS, RECURRENT, DUE TO MYD88 DEFICIENCY. Identifiers: Orphanet 183713, MedGen C2677092, MONDO:0012839, OMIM 612260.

gnomAD v4.1: 3 of 1,614,248 alleles (0.00019%); highest among the groups gnomAD compares: Non-Finnish European, 0.00025%; no homozygotes.

Submissions (2):

Ambry Genetics
Classification: Uncertain significance for Inborn genetic diseases. Last evaluated: 2025-06-12. Review status: criteria provided, single submitter. Criteria: Ambry Variant Classification Scheme 2023. Collection method: clinical testing. Allele origin: germline.

Labcorp Genetics (formerly Invitae), Labcorp
Classification: Uncertain significance for Pyogenic bacterial infections due to MyD88 deficiency. Last evaluated: 2024-10-27. Review status: criteria provided, single submitter. Criteria: Invitae Variant Classification Sherloc (09022015). Collection method: clinical testing. Allele origin: germline.
Comment: This sequence change replaces glutamine, which is neutral and polar, with arginine, which is basic and polar, at codon 189 of the MYD88 protein (p.Gln189Arg). This variant is present in population databases (rs764428425, gnomAD 0.0009%). This variant has not been reported in the literature in individuals affected with MYD88-related conditions. An algorithm developed to predict the effect of missense changes on protein structure and function (PolyPhen-2) suggests that this variant is likely to be tolerated. In summary, the available evidence is currently insufficient to determine the role of this variant in disease. Therefore, it has been classified as a Variant of Uncertain Significance.

NM_002468.5(MYD88):c.527A>G (p.Gln176Arg)

Gene: MYD88 (MYD88 innate immune signal transduction adaptor; plus strand). Cytogenetic location: 3p22.2.
Variant type: single nucleotide variant.
Coding change: c.527A>G on transcript NM_002468.5 (MANE Select); coding-DNA position 527, A replaced by G.
Protein change: p.Gln176Arg; replaces glutamine 176 with arginine.
Molecular consequence: missense variant. On other transcripts: intron variant (2).
Genome position (GRCh38, 1-based): chr3:38,140,451, A>G. VCF-style: chr3-38140451-A-G. GRCh37 (hg19) VCF-style: chr3-38181942-A-G.
Other names: c.566A>G (NM_002468.4); c.527A>G, p.Gln176Arg (NM_001172567.2, NM_001365876.1, NM_001374787.1); c.392A>G, p.Gln131Arg (NM_001172568.2, NM_001365877.1); c.464-306A>G (NM_001172569.3); c.329-306A>G (NM_001172566.2); short protein forms Q131R, Q176R, Q189R.
Identifiers: ClinVar variation 3694081 (VCV003694081.3).